The following is an entry in ClinVar:

ClinVar aggregate classification (germline): Uncertain significance. Review status: criteria provided, multiple submitters, no conflicts (2 of 4 stars). 2 submissions from 2 submitters: Uncertain significance (2). Last evaluated 2025-11-03.

Conditions:
RYR1-related disorder. Also called: RYR1-related disorders; RYR1-related condition. Identifiers: MedGen CN239331.

Submissions (2):

GeneDx
Classification: Uncertain significance. Last evaluated: 2025-11-03. Review status: criteria provided, single submitter. Criteria: GeneDx Variant Classification Process June 2021. Collection method: clinical testing. Allele origin: germline. Affected: yes.
Comment: Not observed at significant frequency in large population cohorts (gnomAD); In-frame insertion of 6 amino acids in a non-repeat region; Has not been previously published as pathogenic or benign to our knowledge

Labcorp Genetics (formerly Invitae), Labcorp
Classification: Uncertain significance for RYR1-related disorder. Last evaluated: 2024-10-10. Review status: criteria provided, single submitter. Criteria: Invitae Variant Classification Sherloc (09022015). Collection method: clinical testing. Allele origin: germline.
Comment: This variant, c.12835_12852dup, results in the insertion of 6 amino acid(s) of the RYR1 protein (p.Ala4279_Gly4284dup), but otherwise preserves the integrity of the reading frame. This variant is present in population databases (no rsID available, gnomAD 0.007%). This variant has not been reported in the literature in individuals affected with RYR1-related conditions. ClinVar contains an entry for this variant (Variation ID: 1211993). Experimental studies and prediction algorithms are not available or were not evaluated, and the functional significance of this variant is currently unknown. In summary, the available evidence is currently insufficient to determine the role of this variant in disease. Therefore, it has been classified as a Variant of Uncertain Significance.

NM_000540.3(RYR1):c.12835_12852dup (p.Ala4279_Gly4284dup)

Gene: RYR1 (ryanodine receptor 1; plus strand). Cytogenetic location: 19q13.2.
Variant type: Duplication.
Coding change: c.12835_12852dup on transcript NM_000540.3 (MANE Select); coding-DNA positions 12835 to 12852, 18 bases duplicated (GCGGCGGGGCTCGAGGGC).
Protein change: p.Ala4279_Gly4284dup.
Molecular consequence: inframe insertion.
Genome position (GRCh38, 1-based): chr19:38,565,169-38,565,186, GCGGCGGGGCTCGAGGGC duplicated; duplicating any 18 consecutive bases within chr19:38,565,163-38,565,186 gives the same sequence; the c. name uses the placement nearest the transcript's 3' end. VCF-style (leftmost placement, unchanged base first): chr19-38565162-G-GGAGGGCGCGGCGGGGCTC. GRCh37 (hg19) VCF-style: chr19-39055802-G-GGAGGGCGCGGCGGGGCTC.
Other names: c.12820_12837dup, p.Ala4274_Gly4279dup (NM_001042723.2).
Identifiers: ClinVar variation 1211993 (VCV001211993.6), dbSNP rs1159068582, ClinGen allele CA633066818.
Genomic context (GRCh38, chr19:38,565,162, plus strand): 5'-GCCGGAGACCGACGAGGACGAGGGCGCGGGCGCGGCGGAGGCGGGCGCGGAAGGCGCGGA[G>GGAGGGCGCGGCGGGGCTC]GAGGGCGCGGCGGGGCTCGAGGGCACGGCGGCCACGGCGGCGGCGGGGGCGACGGCGCGG-3'